The following is an entry in ClinVar:

NM_001211.6(BUB1B):c.1244T>C (p.Ile415Thr)

Gene: BUB1B (BUB1 mitotic checkpoint serine/threonine kinase B; plus strand). Cytogenetic location: 15q15.1.
Variant type: single nucleotide variant.
Coding change: c.1244T>C on transcript NM_001211.6 (MANE Select); coding-DNA position 1244, T replaced by C.
Protein change: p.Ile415Thr; replaces isoleucine 415 with threonine.
Molecular consequence: missense variant.
Genome position (GRCh38, 1-based): chr15:40,196,730, T>C. VCF-style: chr15-40196730-T-C. GRCh37 (hg19) VCF-style: chr15-40488931-T-C.
Other names: short protein forms I415T.
Identifiers: ClinVar variation 3719834 (VCV003719834.2).
Genomic context (GRCh38, chr15:40,196,730, plus strand): 5'-AGATGATGTATTGTAAGGAGAAGATTTATGCAGGAGTAGGGGAATTCTCCTTTGAAGAAA[T>C]TCGGGCTGAAGTTTTCCGGAAGAAATTAAAAGAGCAAAGGGAAGGTGTGTGTAATTCAAG-3'
Protein context (NP_001202.5, residues 405-425): AGVGEFSFEE[Ile415Thr]RAEVFRKKLK

ClinVar aggregate classification (germline): Uncertain significance (1 of 4 stars; one submission).

Conditions:
Mosaic variegated aneuploidy syndrome 1 (MVA1). Also called: Warburton-Anyane-Yeboa syndrome. Identifiers: Orphanet 1052, MedGen C1850343, MONDO:0009759, OMIM 257300.

gnomAD v4.1: 2 of 1,614,026 alleles (0.00012%); highest among the groups gnomAD compares: Non-Finnish European, 0.00017%; no homozygotes.

Submission:

Labcorp Genetics (formerly Invitae), Labcorp
Classification: Uncertain significance for Mosaic variegated aneuploidy syndrome 1. Last evaluated: 2024-03-14. Review status: criteria provided, single submitter. Criteria: Invitae Variant Classification Sherloc (09022015). Collection method: clinical testing. Allele origin: germline.
Comment: This sequence change replaces isoleucine, which is neutral and non-polar, with threonine, which is neutral and polar, at codon 415 of the BUB1B protein (p.Ile415Thr). This variant is present in population databases (no rsID available, gnomAD 0.0009%). This variant has not been reported in the literature in individuals affected with BUB1B-related conditions. An algorithm developed to predict the effect of missense changes on protein structure and function (PolyPhen-2) suggests that this variant is likely to be disruptive. In summary, the available evidence is currently insufficient to determine the role of this variant in disease. Therefore, it has been classified as a Variant of Uncertain Significance.